The following is an entry in ClinVar:

ClinVar aggregate classification (germline): Uncertain significance. Review status: criteria provided, multiple submitters, no conflicts (2 of 4 stars). 2 submissions from 2 submitters: Uncertain significance (2). Last evaluated 2025-05-02.

Allele frequency attached by ClinVar (database versions not stated): ESP Exome Variant Server 0.00015; TOPMed 0.00009; ExAC 0.00019.
gnomAD v4.1: 185 of 1,609,414 alleles (0.011%); highest among the groups gnomAD compares: Non-Finnish European, 0.015%; no homozygotes.

Submissions (2):

Labcorp Genetics (formerly Invitae), Labcorp
Classification: Uncertain significance. Last evaluated: 2025-05-02. Review status: criteria provided, single submitter. Criteria: Invitae Variant Classification Sherloc (09022015). Collection method: clinical testing. Allele origin: germline.
Comment: This sequence change replaces aspartic acid, which is acidic and polar, with glutamic acid, which is acidic and polar, at codon 102 of the RNLS protein (p.Asp102Glu). This variant is present in population databases (rs149825485, gnomAD 0.03%). This variant has not been reported in the literature in individuals affected with RNLS-related conditions. ClinVar contains an entry for this variant (Variation ID: 2510150). An algorithm developed to predict the effect of missense changes on protein structure and function outputs the following: PolyPhen-2: "Benign". The glutamic acid amino acid residue is found in multiple mammalian species, which suggests that this missense change does not adversely affect protein function. In summary, the available evidence is currently insufficient to determine the role of this variant in disease. Therefore, it has been classified as a Variant of Uncertain Significance.

Ambry Genetics
Classification: Uncertain significance. Last evaluated: 2023-03-24. Review status: criteria provided, single submitter. Criteria: Ambry Variant Classification Scheme 2023. Collection method: clinical testing. Allele origin: germline.

NM_001031709.3(RNLS):c.306C>G (p.Asp102Glu)

Gene: RNLS (renalase, FAD dependent amine oxidase; minus strand). Cytogenetic location: 10q23.31.
Variant type: single nucleotide variant.
Coding change: c.306C>G on transcript NM_001031709.3 (MANE Select); coding-DNA position 306, C replaced by G.
Protein change: p.Asp102Glu; replaces aspartic acid 102 with glutamic acid.
Molecular consequence: missense variant.
Genome position (GRCh38, 1-based): chr10:88,581,628, G>C on the plus strand (C>G on the coding strand, the complement: RNLS is on the minus strand). VCF-style: chr10-88581628-G-C. GRCh37 (hg19) VCF-style: chr10-90341385-G-C.
Other names: c.306C>G, p.Asp102Glu (NM_018363.4); short protein forms D102E.
Identifiers: ClinVar variation 2510150 (VCV002510150.4), dbSNP rs149825485, ClinGen allele CA5590528.